The following is an entry in ClinVar:

ClinVar aggregate classification (germline): Uncertain significance (1 of 4 stars; one submission).

Conditions:
Familial hypercholesterolemia. Also called: Familial hypercholesterolaemia. Identifiers: MedGen C0020445, MONDO:0005439.

Allele frequency attached by ClinVar (database versions not stated): gnomAD exomes below 0.00001; gnomAD 0.00001; 1000 Genomes Project 30x 0.00016; 1000 Genomes Project 0.00020.

Submission:

Color Diagnostics, LLC DBA Color Health
Classification: Uncertain significance for Familial hypercholesterolemia. Last evaluated: 2023-12-05. Review status: criteria provided, single submitter. Criteria: ACMG Guidelines, 2015. Collection method: clinical testing. Allele origin: germline.
Comment: Variant of Uncertain Significance due to insufficient evidence: This missense variant is located in the CM3 domain of the PCSK9 protein. Computational prediction tools and conservation analyses suggest that this variant may not impact the protein function. Computational splicing tools suggest that this variant may not impact RNA splicing. To our knowledge, functional assays have not been performed for this variant nor has this variant been reported in individuals affected with familial hypercholesterolemia in the literature. This variant is rare in the general population and has been identified in 0/277264 chromosomes by the Genome Aggregation Database (gnomAD). Available evidence is insufficient to determine the pathogenicity of this variant conclusively.

NM_174936.4(PCSK9):c.2047C>A (p.His683Asn)

Gene: PCSK9 (proprotein convertase subtilisin/kexin type 9; plus strand). Cytogenetic location: 1p32.3.
Variant type: single nucleotide variant.
Coding change: c.2047C>A on transcript NM_174936.4 (MANE Select); coding-DNA position 2047, C replaced by A.
Protein change: p.His683Asn; replaces histidine 683 with asparagine.
Molecular consequence: missense variant.
Genome position (GRCh38, 1-based): chr1:55,063,552, C>A. VCF-style: chr1-55063552-C-A. GRCh37 (hg19) VCF-style: chr1-55529225-C-A.
Other names: c.2170C>A, p.His724Asn (NM_001407240.1); c.2089C>A, p.His697Asn (NM_001407241.1); c.2050C>A, p.His684Asn (NM_001407242.1); c.1990C>A, p.His664Asn (NM_001407243.1); c.1873C>A, p.His625Asn (NM_001407244.1); c.1855C>A, p.His619Asn (NM_001407245.1); c.1672C>A, p.His558Asn (NM_001407246.1); c.1546C>A, p.His516Asn (NM_001407247.1); short protein forms H683N, H516N, H684N, H664N, H697N, H558N, H724N, H619N.
Identifiers: ClinVar variation 630403 (VCV000630403.5), dbSNP rs550247306, ClinGen allele CA22768530.